The following is an entry in ClinVar:

NM_177438.3(DICER1):c.651G>T (p.Glu217Asp)

Gene: DICER1 (dicer 1, ribonuclease III; minus strand). Cytogenetic location: 14q32.13.
Variant type: single nucleotide variant.
Coding change: c.651G>T on transcript NM_177438.3 (MANE Select); coding-DNA position 651, G replaced by T.
Protein change: p.Glu217Asp; replaces glutamic acid 217 with aspartic acid.
Molecular consequence: missense variant. On other transcripts: 5 prime UTR variant (1), non-coding transcript variant (6).
Genome position (GRCh38, 1-based): chr14:95,129,555, C>A on the plus strand (G>T on the coding strand, the complement: DICER1 is on the minus strand). VCF-style: chr14-95129555-C-A. GRCh37 (hg19) VCF-style: chr14-95595892-C-A.
Other names: c.651G>T, p.Glu217Asp (NM_001195573.1, NM_001271282.3, NM_001291628.2 and 14 more transcripts); c.369G>T, p.Glu123Asp (NM_001395686.1); c.246G>T, p.Glu82Asp (NM_001395687.1, NM_001395688.1, NM_001395689.1 and 3 more transcripts); c.84G>T, p.Glu28Asp (NM_001395691.1); c.-918G>T (NM_001395697.1); short protein forms E82D, E123D, E217D, E28D.
Identifiers: ClinVar variation 3720165 (VCV003720165.2).

ClinVar aggregate classification (germline): Uncertain significance (1 of 4 stars; one submission).

Conditions:
DICER1-related tumor predisposition. Also called: DICER1 syndrome; DICER1-related pleuropulmonary blastoma cancer predisposition syndrome. Identifiers: Orphanet 284343, MedGen C3839822, MONDO:0100216.

Submission:

Labcorp Genetics (formerly Invitae), Labcorp
Classification: Uncertain significance for DICER1-related tumor predisposition. Last evaluated: 2025-02-03. Review status: criteria provided, single submitter. Criteria: Invitae Variant Classification Sherloc (09022015). Collection method: clinical testing. Allele origin: germline.
Comment: This sequence change replaces glutamic acid, which is acidic and polar, with aspartic acid, which is acidic and polar, at codon 217 of the DICER1 protein (p.Glu217Asp). This variant is not present in population databases (gnomAD no frequency). This variant has not been reported in the literature in individuals affected with DICER1-related conditions. Invitae Evidence Modeling of protein sequence and biophysical properties (such as structural, functional, and spatial information, amino acid conservation, physicochemical variation, residue mobility, and thermodynamic stability) indicates that this missense variant is not expected to disrupt DICER1 protein function with a negative predictive value of 95%. In summary, the available evidence is currently insufficient to determine the role of this variant in disease. Therefore, it has been classified as a Variant of Uncertain Significance.